The following is an entry in ClinVar:

NM_001197104.2(KMT2A):c.412G>T (p.Gly138Trp)

Gene: KMT2A (lysine methyltransferase 2A; plus strand). Cytogenetic location: 11q23.3.
Variant type: single nucleotide variant.
Coding change: c.412G>T on transcript NM_001197104.2 (MANE Select); coding-DNA position 412, G replaced by T.
Protein change: p.Gly138Trp; replaces glycine 138 with tryptophan.
Molecular consequence: missense variant.
Genome position (GRCh38, 1-based): chr11:118,436,924, G>T. VCF-style: chr11-118436924-G-T. GRCh37 (hg19) VCF-style: chr11-118307639-G-T.
Other names: c.412G>T, p.Gly138Trp (NM_005933.4); c.412G>T (NM_001197104.1); short protein forms G138W.
Identifiers: ClinVar variation 1508913 (VCV001508913.7), dbSNP rs782080138, ClinGen allele CA382798723.

ClinVar aggregate classification (germline): Uncertain significance. Review status: criteria provided, multiple submitters, no conflicts (2 of 4 stars). 2 submissions from 2 submitters: Uncertain significance (2). Last evaluated 2024-08-19.

gnomAD v4.1: 1 of 1,547,754 alleles (0.000065%); highest among the groups gnomAD compares: Non-Finnish European, 0.000087%; no homozygotes.

Submissions (2):

GeneDx
Classification: Uncertain significance. Last evaluated: 2024-08-19. Review status: criteria provided, single submitter. Criteria: GeneDx Variant Classification Process June 2021. Collection method: clinical testing. Allele origin: germline. Affected: yes.
Comment: Not observed at significant frequency in large population cohorts (gnomAD); In silico analysis supports that this missense variant has a deleterious effect on protein structure/function; Has not been previously published as pathogenic or benign to our knowledge

Labcorp Genetics (formerly Invitae), Labcorp
Classification: Uncertain significance. Last evaluated: 2022-11-08. Review status: criteria provided, single submitter. Criteria: Invitae Variant Classification Sherloc (09022015). Collection method: clinical testing. Allele origin: germline.
Comment: In summary, the available evidence is currently insufficient to determine the role of this variant in disease. Therefore, it has been classified as a Variant of Uncertain Significance. Advanced modeling of protein sequence and biophysical properties (such as structural, functional, and spatial information, amino acid conservation, physicochemical variation, residue mobility, and thermodynamic stability) has been performed at Invitae for this missense variant, however the output from this modeling did not meet the statistical confidence thresholds required to predict the impact of this variant on KMT2A protein function. ClinVar contains an entry for this variant (Variation ID: 1508913). This variant has not been reported in the literature in individuals affected with KMT2A-related conditions. This variant is not present in population databases (gnomAD no frequency). This sequence change replaces glycine, which is neutral and non-polar, with tryptophan, which is neutral and slightly polar, at codon 138 of the KMT2A protein (p.Gly138Trp).